The following is an entry in ClinVar:

NC_000004.11:g.(?_15478346)_(15482422_?)del

Gene: CC2D2A (coiled-coil and C2 domain containing 2A; plus strand). Cytogenetic location: 4p15.32.
Variant type: Deletion.
Identifiers: ClinVar variation 1502273 (VCV001502273.7).

ClinVar aggregate classification (germline): Likely pathogenic (1 of 4 stars; one submission).

Conditions:
Meckel-Gruber syndrome. Also called: DYSENCEPHALIA SPLANCHNOCYSTICA; GRUBER SYNDROME; Dysencephalia splachnocystica. Identifiers: Orphanet 564, MedGen C0265215, MONDO:0018921.
Joubert syndrome. Also called: CEREBELLOPARENCHYMAL DISORDER IV; JOUBERT-BOLTSHAUSER SYNDROME; Familial aplasia of the vermis. Identifiers: Orphanet 475, MedGen C5979921, MONDO:0018772.

Submission:

Labcorp Genetics (formerly Invitae), Labcorp
Classification: Likely pathogenic for Joubert syndrome; Meckel-Gruber syndrome. Last evaluated: 2023-12-04. Review status: criteria provided, single submitter. Criteria: Invitae Variant Classification Sherloc (09022015). Collection method: clinical testing. Allele origin: germline.
Comment: This variant results in the deletion of exon 4 and part of exon 5 (c.39+751_218del) of the CC2D2A gene. It is expected to disrupt RNA splicing. Variants that disrupt the donor or acceptor splice site typically lead to a loss of protein function (PMID: 16199547), and loss-of-function variants in CC2D2A are known to be pathogenic (PMID: 19777577). This variant has not been reported in the literature in individuals affected with CC2D2A-related conditions. In summary, the currently available evidence indicates that the variant is pathogenic, but additional data are needed to prove that conclusively. Therefore, this variant has been classified as Likely Pathogenic.

Literature cited by the submitters: PubMed 16199547; PubMed 19777577.